The following is an entry in ClinVar:

NM_003839.4(TNFRSF11A):c.1820C>T (p.Pro607Leu)

Gene: TNFRSF11A (TNF receptor superfamily member 11a; plus strand). Cytogenetic location: 18q21.33.
Variant type: single nucleotide variant.
Coding change: c.1820C>T on transcript NM_003839.4 (MANE Select); coding-DNA position 1820, C replaced by T.
Protein change: p.Pro607Leu; replaces proline 607 with leucine.
Molecular consequence: missense variant. On other transcripts: 3 prime UTR variant (1).
Genome position (GRCh38, 1-based): chr18:62,385,003, C>T. VCF-style: chr18-62385003-C-T. GRCh37 (hg19) VCF-style: chr18-60052236-C-T.
Other names: c.*244C>T (NM_001270949.2); c.983C>T, p.Pro328Leu (NM_001270950.2); c.869C>T, p.Pro290Leu (NM_001270951.2); c.1778C>T, p.Pro593Leu (NM_001278268.2); short protein forms P290L, P328L, P607L, P593L.
Identifiers: ClinVar variation 1521302 (VCV001521302.8), dbSNP rs1241766595, ClinGen allele CA402621774.

ClinVar aggregate classification (germline): Uncertain significance (1 of 4 stars; one submission).

Allele frequency attached by ClinVar (database versions not stated): gnomAD exomes below 0.00001; TOPMed below 0.00001; gnomAD 0.00001.
gnomAD v4.1: 4 of 1,478,648 alleles (0.00027%); highest among the groups gnomAD compares: Admixed American, 0.0025%; no homozygotes.

Submission:

Labcorp Genetics (formerly Invitae), Labcorp
Classification: Uncertain significance. Last evaluated: 2022-12-05. Review status: criteria provided, single submitter. Criteria: Invitae Variant Classification Sherloc (09022015). Collection method: clinical testing. Allele origin: germline.
Comment: This sequence change replaces proline, which is neutral and non-polar, with leucine, which is neutral and non-polar, at codon 607 of the TNFRSF11A protein (p.Pro607Leu). The frequency data for this variant in the population databases is considered unreliable, as metrics indicate poor data quality at this position in the gnomAD database. This variant has not been reported in the literature in individuals affected with TNFRSF11A-related conditions. ClinVar contains an entry for this variant (Variation ID: 1521302). Algorithms developed to predict the effect of missense changes on protein structure and function are either unavailable or do not agree on the potential impact of this missense change (SIFT: "Deleterious"; PolyPhen-2: "Probably Damaging"; Align-GVGD: "Class C0"). In summary, the available evidence is currently insufficient to determine the role of this variant in disease. Therefore, it has been classified as a Variant of Uncertain Significance.